The following is an entry in ClinVar:

ClinVar aggregate classification (germline): Uncertain significance (1 of 4 stars; one submission).

Conditions:
CDKL5 disorder. Identifiers: MedGen CN296942, MONDO:0100039.

Submission:

Centre for Population Genomics, CPG
Classification: Uncertain significance for CDKL5 disorder. Last evaluated: 2024-12-17. Review status: criteria provided, single submitter. Criteria: McKnight et al. (Hum Mutat. 2022). Collection method: curation. Allele origin: germline. Inheritance: X-linked inheritance.
Comment: This variant has been collected from RettBASE and curated to current modified ACMG/AMP criteria. Based on the classification scheme defined by the ClinGen Rett/Angelman-like Expert Panel for Rett/AS-like Disorders Specifications to the ACMG/AMP Variant Interpretation Guidelines VCEP 3.0, this variant is classified as a variant of uncertain significance. At least the following criteria are met: This variant has been identified as a de novo occurrence in at least 2 individuals with CDKL5 disorder, without confirmation of paternity and maternity (PM6_Strong, PMID: 37193389, PMID: 38874638). This variant is absent from gnomAD (PM2_Supporting).

NM_001323289.2(CDKL5):c.521C>A (p.Thr174Asn)

Gene: CDKL5 (cyclin dependent kinase like 5; plus strand). Cytogenetic location: Xp22.13.
Variant type: single nucleotide variant.
Coding change: c.521C>A on transcript NM_001323289.2 (MANE Select); coding-DNA position 521, C replaced by A.
Protein change: p.Thr174Asn; replaces threonine 174 with asparagine.
Molecular consequence: missense variant.
Genome position (GRCh38, 1-based): chrX:18,584,320, C>A. VCF-style: chrX-18584320-C-A. GRCh37 (hg19) VCF-style: chrX-18602440-C-A.
Other names: NM_003159.3:c.521C>A; c.521C>A, p.Thr174Asn (NM_001037343.2, NM_003159.3); short protein forms T174N.
Identifiers: ClinVar variation 3602018 (VCV003602018.1).